The following is an entry in ClinVar:

NM_000307.5(POU3F4):c.-35_269delinsAGTTGCAGGTCTTCGCGCCCGGGCTTCACGTCCTGCTGGTCCAGGGGGCTGGTGGCCAGTGTGGAGGACCATGGGCCCCCGTCGCTCAGACTGGTCACCCAGTGATGCCCGAGGGGATGCCCATTGCTGGGAACTCCCTGCAAGTAATCACTTTGGAGAAGTTTCTGAGGGTTGCGGAAAGGACTCCCCTGCTGCATGCCCGCAGAGTCCGCATGGACTAGGGAGGTGGAACTGAGAATGCTGTAGGGATTCGAGGCAGCTGTGGCCATGGTCGGTGAGGATCCCCTACTAGTTATAATGTGAAAAA (p.Met1_Leu90delinsLeuValGlnGlyAlaGlyGlyGlnCysGlyGlyProTrpAlaProValAlaGlnThrGlyHisProValMetProGluGlyMetProIleAlaGlyAsnSerLeuGlnValIleThrLeuGluLysPheLeuArgValAlaGluArgThrProLeuLeuHisAlaArgArgValArgMetAspTer)

Gene: POU3F4 (POU class 3 homeobox 4; plus strand). Cytogenetic location: Xq21.1.
Variant type: Indel.
Coding change: c.-35_269delinsAGTTGCAGGTCTTCGCGCCCGGGCTTCACGTCCTGCTGGTCCAGGGGGCTGGTGGCCAGTGTGGAGGACCATGGGCCCCCGTCGCTCAGACTGGTCACCCAGTGATGCCCGAGGGGATGCCCATTGCTGGGAACTCCCTGCAAGTAATCACTTTGGAGAAGTTTCTGAGGGTTGCGGAAAGGACTCCCCTGCTGCATGCCCGCAGAGTCCGCATGGACTAGGGAGGTGGAACTGAGAATGCTGTAGGGATTCGAGGCAGCTGTGGCCATGGTCGGTGAGGATCCCCTACTAGTTATAATGTGAAAAA on transcript NM_000307.5 (MANE Select); 35 bases upstream of the start codon through coding-DNA position 269, the reference bases replaced by an inserted sequence.
Protein change: p.Met1_Leu90delinsLeuValGlnGlyAlaGlyGlyGlnCysGlyGlyProTrpAlaProValAlaGlnThrGlyHisProValMetProGluGlyMetProIleAlaGlyAsnSerLeuGlnValIleThrLeuGluLysPheLeuArgValAlaGluArgThrProLeuLeuHisAlaArgArgValArgMetAspTer.
Molecular consequence: nonsense, initiator codon variant.
Genome position (GRCh38, 1-based): chrX:83,508,287-83,508,593, 307 bases replaced. GRCh37 (hg19): chrX:82,763,295-82,763,601.
Identifiers: ClinVar variation 3638914 (VCV003638914.2).

ClinVar aggregate classification (germline): Uncertain significance (1 of 4 stars; one submission).

Submission:

Labcorp Genetics (formerly Invitae), Labcorp
Classification: Uncertain significance. Last evaluated: 2024-04-12. Review status: criteria provided, single submitter. Criteria: Invitae Variant Classification Sherloc (09022015). Collection method: clinical testing. Allele origin: germline.
Comment: This sequence change affects the initiator methionine of the POU3F4 mRNA. The next in-frame methionine is located at codon 25. Information on the frequency of this variant in the gnomAD database is not available, as this variant may be reported differently in the database. This variant has not been reported in the literature in individuals affected with POU3F4-related conditions. Experimental studies and prediction algorithms are not available or were not evaluated, and the functional significance of this variant is currently unknown. In summary, the available evidence is currently insufficient to determine the role of this variant in disease. Therefore, it has been classified as a Variant of Uncertain Significance.